The following is an entry in ClinVar:

ClinVar aggregate classification (germline): Uncertain significance (1 of 4 stars; one submission).

Submission:

Ambry Genetics
Classification: Uncertain significance. Last evaluated: 2022-01-28. Review status: criteria provided, single submitter. Criteria: Ambry Variant Classification Scheme 2023. Collection method: clinical testing. Allele origin: germline.
Comment: The p.R1391L variant (also known as c.4172G>T), located in coding exon 38 of the KIF1B gene, results from a G to T substitution at nucleotide position 4172. The arginine at codon 1391 is replaced by leucine, an amino acid with dissimilar properties. This amino acid position is conserved. In addition, this alteration is predicted to be deleterious by in silico analysis. Since supporting evidence is limited at this time, the clinical significance of this alteration remains unclear.

NM_001365951.3(KIF1B):c.4310G>T (p.Arg1437Leu)

Gene: KIF1B (kinesin family member 1B; plus strand). Cytogenetic location: 1p36.22.
Variant type: single nucleotide variant.
Coding change: c.4310G>T on transcript NM_001365951.3 (MANE Select); coding-DNA position 4310, G replaced by T.
Protein change: p.Arg1437Leu; replaces arginine 1437 with leucine.
Molecular consequence: missense variant.
Genome position (GRCh38, 1-based): chr1:10,363,288, G>T. VCF-style: chr1-10363288-G-T. GRCh37 (hg19) VCF-style: chr1-10423346-G-T.
Other names: c.4310G>T, p.Arg1437Leu (NM_001365952.1); c.4172G>T, p.Arg1391Leu (NM_015074.3); short protein forms R1437L, R1391L.
Identifiers: ClinVar variation 1738429 (VCV001738429.2), dbSNP rs2521897942, ClinGen allele CA338318549.